The following is an entry in ClinVar:

ClinVar aggregate classification (germline): Pathogenic (1 of 4 stars; one submission).

Allele frequency attached by ClinVar (database versions not stated): gnomAD 0.00001; TOPMed 0.00001.
gnomAD v4.1: 4 of 1,613,952 alleles (0.00025%); highest among the groups gnomAD compares: African/African-American, 0.0027%; no homozygotes.

Submission:

Labcorp Genetics (formerly Invitae), Labcorp
Classification: Pathogenic. Last evaluated: 2022-10-27. Review status: criteria provided, single submitter. Criteria: Invitae Variant Classification Sherloc (09022015). Collection method: clinical testing. Allele origin: germline.
Comment: For these reasons, this variant has been classified as Pathogenic. This variant has not been reported in the literature in individuals affected with DNAH9-related conditions. This variant is present in population databases (no rsID available, gnomAD 0.003%). This sequence change creates a premature translational stop signal (p.Trp1952*) in the DNAH9 gene. It is expected to result in an absent or disrupted protein product. Loss-of-function variants in DNAH9 are known to be pathogenic (PMID: 30471718).

Literature cited by the submitters: PubMed 30471718.

NM_001372.4(DNAH9):c.5855G>A (p.Trp1952Ter)

Gene: DNAH9 (dynein axonemal heavy chain 9; plus strand). Cytogenetic location: 17p12.
Variant type: single nucleotide variant.
Coding change: c.5855G>A on transcript NM_001372.4 (MANE Select); coding-DNA position 5855, G replaced by A.
Protein change: p.Trp1952Ter; replaces tryptophan 1952 with a stop codon.
Molecular consequence: nonsense.
Genome position (GRCh38, 1-based): chr17:11,738,920, G>A. VCF-style: chr17-11738920-G-A. GRCh37 (hg19) VCF-style: chr17-11642237-G-A.
Other names: short protein forms W1952*.
Identifiers: ClinVar variation 2874614 (VCV002874614.3), dbSNP rs994956358, ClinGen allele CA287813221.